The following is an entry in ClinVar:

ClinVar aggregate classification (germline): Conflicting classifications of pathogenicity. Review status: criteria provided, conflicting classifications (1 of 4 stars). 4 submissions from 4 submitters: Uncertain significance (3); Likely benign (1). Last evaluated 2025-07-22.

Conditions:
Catecholaminergic polymorphic ventricular tachycardia (CVPT). Also called: Catecholamine-induced polymorphic ventricular tachycardia. Identifiers: Orphanet 3286, MedGen C5574922, MONDO:0017990.
Cardiovascular phenotype. Identifiers: MedGen CN230736.
Catecholaminergic polymorphic ventricular tachycardia 1. Also called: RYR2-Related Catecholaminergic Polymorphic Ventricular Tachycardia; VENTRICULAR TACHYCARDIA, STRESS-INDUCED POLYMORPHIC 1; VENTRICULAR TACHYCARDIA, CATECHOLAMINERGIC POLYMORPHIC, 1, WITH OR WITHOUT ATRIAL DYSFUNCTION AND/OR DILATED CARDIOMYOPATHY. Identifiers: Orphanet 3286, MedGen C1631597, MONDO:0011484, OMIM 604772.

Allele frequency attached by ClinVar (database versions not stated): gnomAD exomes 0.00001; ExAC 0.00005.
gnomAD v4.1: 14 of 1,542,762 alleles (0.00091%); highest among the groups gnomAD compares: Middle Eastern, 0.017%; no homozygotes.

Submissions (4):

Women's Health and Genetics/Laboratory Corporation of America, LabCorp
Classification: Uncertain significance. Last evaluated: 2025-07-22. Review status: criteria provided, single submitter. Criteria: LabCorp Variant Classification Summary - May 2015. Collection method: clinical testing. Allele origin: germline.
Comment: Variant summary: RYR2 c.8314C>T (p.Arg2772Cys) results in a non-conservative amino acid change in the encoded protein sequence. Algorithms developed to predict the effect of missense changes on protein structure and function all suggest that this variant is likely to be disruptive. The variant allele was found at a frequency of 1.3e-05 in 154410 control chromosomes. The available data on variant occurrences in the general population are insufficient to allow any conclusion about variant significance. To our knowledge, no occurrence of c.8314C>T in individuals affected with Catecholaminergic Polymorphic Ventricular Tachycardia and no experimental evidence demonstrating its impact on protein function have been reported. ClinVar contains an entry for this variant (Variation ID: 641169). Based on the evidence outlined above, the variant was classified as uncertain significance.

Labcorp Genetics (formerly Invitae), Labcorp
Classification: Likely benign for Catecholaminergic polymorphic ventricular tachycardia 1. Last evaluated: 2024-04-29. Review status: criteria provided, single submitter. Criteria: Invitae Variant Classification Sherloc (09022015). Collection method: clinical testing. Allele origin: germline.

Ambry Genetics
Classification: Uncertain significance for Cardiovascular phenotype. Last evaluated: 2023-11-27. Review status: criteria provided, single submitter. Criteria: Ambry Variant Classification Scheme 2023. Collection method: clinical testing. Allele origin: germline.
Comment: The p.R2772C variant (also known as c.8314C>T), located in coding exon 56 of the RYR2 gene, results from a C to T substitution at nucleotide position 8314. The arginine at codon 2772 is replaced by cysteine, an amino acid with highly dissimilar properties. This amino acid position is well conserved in available vertebrate species. In addition, the in silico prediction for this alteration is inconclusive. Since supporting evidence is limited at this time, the clinical significance of this alteration remains unclear.

All of Us Research Program, National Institutes of Health
Classification: Uncertain significance for Catecholaminergic polymorphic ventricular tachycardia. Last evaluated: 2023-07-22. Review status: criteria provided, single submitter. Criteria: ACMG Guidelines, 2015. Collection method: clinical testing. Allele origin: germline. Inheritance: Autosomal dominant inheritance. Observed: 3 variant alleles, 3 heterozygotes.
Comment: This missense variant replaces arginine with cysteine at codon 2772 of the RYR2 protein. Computational prediction suggests that this variant may have deleterious impact on protein structure and function (internally defined REVEL score threshold >= 0.7, PMID: 27666373). To our knowledge, functional studies have not been reported for this variant. This variant has not been reported in individuals affected with RYR2-related disorders in the literature. This variant has been identified in 2/154410 chromosomes in the general population by the Genome Aggregation Database (gnomAD). The available evidence is insufficient to determine the role of this variant in disease conclusively. Therefore, this variant is classified as a Variant of Uncertain Significance.

This study involves interpretation of variants in research participants for the purpose of population health screening. Participant phenotype was not available at the time of variant classification. Additional details can be found in publication PMID: 35346344, PMCID: PMC8962531

NM_001035.3(RYR2):c.8314C>T (p.Arg2772Cys)

Gene: RYR2 (ryanodine receptor 2; plus strand). Cytogenetic location: 1q43.
Variant type: single nucleotide variant.
Coding change: c.8314C>T on transcript NM_001035.3 (MANE Select); coding-DNA position 8314, C replaced by T.
Protein change: p.Arg2772Cys; replaces arginine 2772 with cysteine.
Molecular consequence: missense variant.
Genome position (GRCh38, 1-based): chr1:237,660,825, C>T. VCF-style: chr1-237660825-C-T. GRCh37 (hg19) VCF-style: chr1-237824125-C-T.
Other names: c.8314C>T, p.Arg2772Cys (LRG_402t1); short protein forms R2772C.
Identifiers: ClinVar variation 641169 (VCV000641169.14), dbSNP rs754379518, ClinGen allele CA087611.